The following is an entry in ClinVar:

NM_007294.4(BRCA1):c.5193+20A>T

Gene: BRCA1 (BRCA1 DNA repair associated; minus strand). Cytogenetic location: 17q21.31.
Variant type: single nucleotide variant.
Coding change: c.5193+20A>T on transcript NM_007294.4 (MANE Select); 20 bases into the intron after coding-DNA position 5193, A replaced by T.
Molecular consequence: intron variant.
Genome position (GRCh38, 1-based): chr17:43,063,313, T>A on the plus strand (A>T on the coding strand, the complement: BRCA1 is on the minus strand). VCF-style: chr17-43063313-T-A. GRCh37 (hg19) VCF-style: chr17-41215330-T-A.
Other names: c.1740+20A>T (NM_001408458.1, NM_001408461.1, NM_001408464.1 and 7 more transcripts); c.4302+20A>T (NM_001407967.1); c.4812+20A>T (NM_001407959.1); c.4926+20A>T (NM_001407931.1, NM_001407932.1, NM_001407928.1 and 4 more transcripts); c.5049+20A>T (NM_001407747.1, NM_001407745.1, NM_001407737.1 and 21 more transcripts); c.4809+20A>T (NM_001407962.1, NM_001407960.1); c.1380+20A>T (NM_001408512.1); c.1503+20A>T (NM_001408510.1); and 72 more.
Identifiers: ClinVar variation 867809 (VCV000867809.3), dbSNP rs1567768516, ClinGen allele CA916079996.

Conditions:
Breast-ovarian cancer, familial, susceptibility to, 1 (BROVCA1). Also called: BRCA1 Hereditary Breast and Ovarian Cancer; OVARIAN CANCER, SUSCEPTIBILITY TO. Identifiers: Orphanet 145, MedGen C2676676, MONDO:0011450, OMIM 604370. Disease mechanism: loss of function.

Submission:

Brotman Baty Institute, University of Washington
No classification provided (evidence only). Condition: Breast-ovarian cancer, familial 1. Review status: no classification provided. Collection method: in vitro. Allele origin: not applicable. Functional consequence: functionally_normal.
ClinVar note: "not provided" was previously submitted as the classification for the variant. However, the classification appeared to be based only on an observation of functional data so it was converted to no classification on 2025-07-30.